The following is an entry in ClinVar:

NM_000055.4(BCHE):c.1495T>C (p.Trp499Arg)

Gene: BCHE (butyrylcholinesterase; minus strand). Cytogenetic location: 3q26.1.
Variant type: single nucleotide variant.
Coding change: c.1495T>C on transcript NM_000055.4 (MANE Select); coding-DNA position 1495, T replaced by C.
Protein change: p.Trp499Arg; replaces tryptophan 499 with arginine.
Molecular consequence: missense variant. On other transcripts: non-coding transcript variant (1).
Genome position (GRCh38, 1-based): chr3:165,829,539, A>G on the plus strand (T>C on the coding strand, the complement: BCHE is on the minus strand). VCF-style: chr3-165829539-A-G. GRCh37 (hg19) VCF-style: chr3-165547327-A-G.
Other names: short protein forms W499R.
Identifiers: ClinVar variation 4536815 (VCV004536815.1).
Genomic context (GRCh38, chr3:165,829,539, plus strand): 5'-AACCAAGCCAGAGAACAATGACAAAAATCAGCACTTACCCATATTTTGCAAAATTTGCCC[A>G]CCGTTTCACTATGGATCTACTCAAAATTTCCTCGGCTTTTGTGTAATTATCTCTTCTTTC-3'
Protein context (NP_000046.1, residues 489-509): EILSRSIVKR[Trp499Arg]ANFAKYGNPN

ClinVar aggregate classification (germline): Likely pathogenic (1 of 4 stars; one submission).

Conditions:
Deficiency of butyrylcholinesterase (BCHED). Also called: Deficiency of butyrylcholine esterase; Butyrylcholinesterase deficiency; BCHE, silent 1; Acholinesterasemia. Identifiers: Orphanet 132, MedGen C1283400, MONDO:0015270, OMIM 617936.

gnomAD v4.1: 6 of 1,613,650 alleles (0.00037%); highest among the groups gnomAD compares: Non-Finnish European, 0.00051%; no homozygotes.

Submission:

Women's Health and Genetics/Laboratory Corporation of America, LabCorp
Classification: Likely pathogenic for Deficiency of butyrylcholinesterase. Last evaluated: 2025-11-11. Review status: criteria provided, single submitter. Criteria: LabCorp Variant Classification Summary - May 2015. Collection method: clinical testing. Allele origin: germline.
Comment: Variant summary: BCHE c.1495T>C (p.Trp499Arg) results in a non-conservative amino acid change in the encoded protein sequence. Algorithms developed to predict the effect of missense changes on protein structure and function all suggest that this variant is likely to be disruptive. The variant was absent in 250818 control chromosomes (gnomAD). c.1495T>C has been observed in individuals affected with Deficiency Of Butyrylcholine Esterase (Primo-Parmo_1996). These data indicate that the variant may be associated with disease. At least one publication reports experimental evidence evaluating an impact on protein function. The most pronounced variant effect results in <10% of normal activity (Primo-Parmo_1996). The following publication have been ascertained in the context of this evaluation (PMID: 8554068). No submitters have cited clinical-significance assessments for this variant to ClinVar. Based on the evidence outlined above, the variant was classified as likely pathogenic.

Literature cited by the submitters: PubMed 8554068.